The following is an entry in ClinVar:

NM_001363711.2(DUOX2):c.4619A>C (p.His1540Pro)

Gene: DUOX2 (dual oxidase 2; minus strand). Cytogenetic location: 15q21.1.
Variant type: single nucleotide variant.
Coding change: c.4619A>C on transcript NM_001363711.2 (MANE Select); coding-DNA position 4619, A replaced by C.
Protein change: p.His1540Pro; replaces histidine 1540 with proline.
Molecular consequence: missense variant.
Genome position (GRCh38, 1-based): chr15:45,094,178, T>G on the plus strand (A>C on the coding strand, the complement: DUOX2 is on the minus strand). VCF-style: chr15-45094178-T-G. GRCh37 (hg19) VCF-style: chr15-45386376-T-G.
Other names: c.4619A>C, p.His1540Pro (NM_014080.5); short protein forms H1540P.
Identifiers: ClinVar variation 316134 (VCV000316134.10), dbSNP rs750802774, ClinGen allele CA7537449.

ClinVar aggregate classification (germline): Uncertain significance. Review status: criteria provided, multiple submitters, no conflicts (2 of 4 stars). 2 submissions from 2 submitters: Uncertain significance (2). Last evaluated 2024-03-18.

Conditions:
Thyroid dyshormonogenesis 6 (TDH6). Also called: THYROID HORMONOGENESIS, GENETIC DEFECT IN, 6; Genetic transient congenital hypothyroidism; HYPOTHYROIDISM, CONGENITAL, DUE TO DYSHORMONOGENESIS, 6. Identifiers: Orphanet 226316, Orphanet 95716, MedGen C1846632, MONDO:0011792, OMIM 607200.

Allele frequency attached by ClinVar (database versions not stated): ExAC 0.00001; gnomAD 0.00002 and 0.00003; gnomAD exomes 0.00002 and 0.00003; TOPMed 0.00002.
gnomAD v4.1: 54 of 1,613,976 alleles (0.0033%); highest among the groups gnomAD compares: Middle Eastern, 0.016%; no homozygotes.

Submissions (2):

Labcorp Genetics (formerly Invitae), Labcorp
Classification: Uncertain significance. Last evaluated: 2024-03-18. Review status: criteria provided, single submitter. Criteria: Invitae Variant Classification Sherloc (09022015). Collection method: clinical testing. Allele origin: germline.
Comment: This sequence change replaces histidine, which is basic and polar, with proline, which is neutral and non-polar, at codon 1540 of the DUOX2 protein (p.His1540Pro). This variant is present in population databases (rs750802774, gnomAD 0.006%). This variant has not been reported in the literature in individuals affected with DUOX2-related conditions. ClinVar contains an entry for this variant (Variation ID: 316134). Advanced modeling of protein sequence and biophysical properties (such as structural, functional, and spatial information, amino acid conservation, physicochemical variation, residue mobility, and thermodynamic stability) performed at Invitae indicates that this missense variant is not expected to disrupt DUOX2 protein function with a negative predictive value of 95%. In summary, the available evidence is currently insufficient to determine the role of this variant in disease. Therefore, it has been classified as a Variant of Uncertain Significance.

Illumina Laboratory Services, Illumina
Classification: Uncertain significance for Thyroid dyshormonogenesis 6. Last evaluated: 2018-01-13. Review status: criteria provided, single submitter. Criteria: ICSL Variant Classification Criteria 13 December 2019. Collection method: clinical testing. Allele origin: germline.